The following is an entry in ClinVar:

NM_018706.7(DHTKD1):c.1580C>T (p.Pro527Leu)

Gene: DHTKD1 (dehydrogenase E1 and transketolase domain containing 1; plus strand). Cytogenetic location: 10p14.
Variant type: single nucleotide variant.
Coding change: c.1580C>T on transcript NM_018706.7 (MANE Select); coding-DNA position 1580, C replaced by T.
Protein change: p.Pro527Leu; replaces proline 527 with leucine.
Molecular consequence: missense variant.
Genome position (GRCh38, 1-based): chr10:12,097,905, C>T. VCF-style: chr10-12097905-C-T. GRCh37 (hg19) VCF-style: chr10-12139904-C-T.
Other names: short protein forms P527L.
Identifiers: ClinVar variation 2999596 (VCV002999596.3), dbSNP rs2491491985, ClinGen allele CA376021599.

ClinVar aggregate classification (germline): Uncertain significance (1 of 4 stars; one submission).

Conditions:
2-aminoadipic 2-oxoadipic aciduria (AAKAD). Also called: ALPHA-AMINOADIPIC AND ALPHA-KETOADIPIC ACIDURIA; Aminoadipic aciduria. Identifiers: Orphanet 79154, MedGen C1859817, MONDO:0008774, OMIM 204750.

Submission:

Labcorp Genetics (formerly Invitae), Labcorp
Classification: Uncertain significance for 2-aminoadipic 2-oxoadipic aciduria. Last evaluated: 2023-11-27. Review status: criteria provided, single submitter. Criteria: Invitae Variant Classification Sherloc (09022015). Collection method: clinical testing. Allele origin: germline.
Comment: This sequence change replaces proline, which is neutral and non-polar, with leucine, which is neutral and non-polar, at codon 527 of the DHTKD1 protein (p.Pro527Leu). This variant is not present in population databases (gnomAD no frequency). This variant has not been reported in the literature in individuals affected with DHTKD1-related conditions. Advanced modeling of protein sequence and biophysical properties (such as structural, functional, and spatial information, amino acid conservation, physicochemical variation, residue mobility, and thermodynamic stability) performed at Invitae indicates that this missense variant is not expected to disrupt DHTKD1 protein function with a negative predictive value of 80%. In summary, the available evidence is currently insufficient to determine the role of this variant in disease. Therefore, it has been classified as a Variant of Uncertain Significance.